The following is an entry in ClinVar:

NM_020820.4(PREX1):c.4456G>T (p.Ala1486Ser)

Gene: PREX1 (phosphatidylinositol-3,4,5-trisphosphate dependent Rac exchange factor 1; minus strand). Cytogenetic location: 20q13.13.
Variant type: single nucleotide variant.
Coding change: c.4456G>T on transcript NM_020820.4 (MANE Select); coding-DNA position 4456, G replaced by T.
Protein change: p.Ala1486Ser; replaces alanine 1486 with serine.
Molecular consequence: missense variant.
Genome position (GRCh38, 1-based): chr20:48,632,347, C>A on the plus strand (G>T on the coding strand, the complement: PREX1 is on the minus strand). VCF-style: chr20-48632347-C-A. GRCh37 (hg19) VCF-style: chr20-47248885-C-A.
Other names: short protein forms A1486S.
Identifiers: ClinVar variation 711758 (VCV000711758.28), dbSNP rs111654927, ClinGen allele CA9896570.
Genomic context (GRCh38, chr20:48,632,347, plus strand): 5'-GGTAATACTGCTGAACTTTCTCCAGGGACTGCGCGTTGATGTCCTGCTGCAAATCCTCCG[C>A]GGCCTGGCTGCCTGGAGAAGGCAGCCCCTCCACGTTCTCCAGCACTGGGAGGGGAGATGT-3'
Protein context (NP_065871.3, residues 1476-1496): EGLPSPGSQA[Ala1486Ser]EDLQQDINAQ

ClinVar aggregate classification (germline): Benign/Likely benign. Review status: criteria provided, multiple submitters, no conflicts (2 of 4 stars). 3 submissions from 3 submitters: Benign (2); Likely benign (1). Last evaluated 2022-11-01.

Allele frequency attached by ClinVar (database versions not stated): 1000 Genomes Project 0.00240; 1000 Genomes Project 30x 0.00265; TOPMed 0.00458; ESP Exome Variant Server 0.00546.
gnomAD v4.1: 10,256 of 1,614,038 alleles (0.64%); highest among the groups gnomAD compares: Non-Finnish European, 0.75%; 30 homozygotes.

Submissions (3):

CeGaT Center for Human Genetics Tuebingen
Classification: Likely benign. Last evaluated: 2022-11-01. Review status: criteria provided, single submitter. Criteria: CeGaT Center For Human Genetics Tuebingen Variant Classification Criteria Version 2. Collection method: clinical testing. Allele origin: germline. Affected: yes. Observed: 3 variant alleles.
Comment: PREX1: PP2, BP4, BS2

Labcorp Genetics (formerly Invitae), Labcorp
Classification: Benign. Last evaluated: 2018-08-15. Review status: criteria provided, single submitter. Criteria: Invitae Variant Classification Sherloc (09022015). Collection method: clinical testing. Allele origin: germline.

Breakthrough Genomics
Classification: Benign. Review status: criteria provided, single submitter. Criteria: ACMG Guidelines, 2015. Collection method: not provided. Allele origin: germline. Inheritance: Unknown mechanism. Affected: yes.